The following is an entry in ClinVar:

ClinVar aggregate classification (germline): Uncertain significance (1 of 4 stars; one submission).

Conditions:
5-Oxoprolinase deficiency (OPLAHD). Also called: 5-OXOPROLINURIA DUE TO 5-OXOPROLINASE DEFICIENCY. Identifiers: Orphanet 33572, MedGen C0268525, MONDO:0009825, OMIM 260005, HP:0040142.

Allele frequency attached by ClinVar (database versions not stated): gnomAD exomes 0.00002; gnomAD 0.00003; ExAC 0.00004; TOPMed 0.00004; ESP Exome Variant Server 0.00008.

Submission:

Labcorp Genetics (formerly Invitae), Labcorp
Classification: Uncertain significance for 5-Oxoprolinase deficiency. Last evaluated: 2025-07-21. Review status: criteria provided, single submitter. Criteria: Invitae Variant Classification Sherloc (09022015). Collection method: clinical testing. Allele origin: germline.
Comment: This sequence change replaces glycine, which is neutral and non-polar, with arginine, which is basic and polar, at codon 780 of the OPLAH protein (p.Gly780Arg). This variant is present in population databases (rs374923775, gnomAD 0.006%). This variant has not been reported in the literature in individuals affected with OPLAH-related conditions. ClinVar contains an entry for this variant (Variation ID: 2150104). An algorithm developed to predict the effect of missense changes on protein structure and function (PolyPhen-2) suggests that this variant is likely to be disruptive. In summary, the available evidence is currently insufficient to determine the role of this variant in disease. Therefore, it has been classified as a Variant of Uncertain Significance.

NM_017570.5(OPLAH):c.2338G>A (p.Gly780Arg)

Gene: OPLAH (5-oxoprolinase, ATP-hydrolysing; minus strand). Cytogenetic location: 8q24.3.
Variant type: single nucleotide variant.
Coding change: c.2338G>A on transcript NM_017570.5 (MANE Select); coding-DNA position 2338, G replaced by A.
Protein change: p.Gly780Arg; replaces glycine 780 with arginine.
Molecular consequence: missense variant.
Genome position (GRCh38, 1-based): chr8:144,055,100, C>T on the plus strand (G>A on the coding strand, the complement: OPLAH is on the minus strand). VCF-style: chr8-144055100-C-T. GRCh37 (hg19) VCF-style: chr8-145110003-C-T.
Other names: short protein forms G780R.
Identifiers: ClinVar variation 2150104 (VCV002150104.3), dbSNP rs374923775, ClinGen allele CA4931502.